The following is an entry in ClinVar:

ClinVar aggregate classification (germline): Uncertain significance. Review status: criteria provided, multiple submitters, no conflicts (2 of 4 stars). 2 submissions from 2 submitters: Uncertain significance (2). Last evaluated 2025-07-09.

Conditions:
Intellectual developmental disorder, autosomal dominant 1. Also called: Intellectual disability, autosomal dominant 1; MBD5 Haploinsufficiency. Identifiers: Orphanet 228402, MedGen C1969562, MONDO:0007974, OMIM 156200.

Allele frequency attached by ClinVar (database versions not stated): gnomAD 0.00001; TOPMed 0.00002; ExAC 0.00003.
gnomAD v4.1: 23 of 1,613,754 alleles (0.0014%); highest among the groups gnomAD compares: South Asian, 0.014%; no homozygotes.

Submissions (2):

Labcorp Genetics (formerly Invitae), Labcorp
Classification: Uncertain significance for Intellectual developmental disorder, autosomal dominant 1. Last evaluated: 2025-07-09. Review status: criteria provided, single submitter. Criteria: Invitae Variant Classification Sherloc (09022015). Collection method: clinical testing. Allele origin: germline.
Comment: This sequence change replaces alanine, which is neutral and non-polar, with threonine, which is neutral and polar, at codon 87 of the MBD5 protein (p.Ala87Thr). This variant is present in population databases (rs755990856, gnomAD 0.02%). This variant has not been reported in the literature in individuals affected with MBD5-related conditions. ClinVar contains an entry for this variant (Variation ID: 1429501). Invitae Evidence Modeling of protein sequence and biophysical properties (such as structural, functional, and spatial information, amino acid conservation, physicochemical variation, residue mobility, and thermodynamic stability) indicates that this missense variant is not expected to disrupt MBD5 protein function with a negative predictive value of 80%. In summary, the available evidence is currently insufficient to determine the role of this variant in disease. Therefore, it has been classified as a Variant of Uncertain Significance.

CeGaT Center for Human Genetics Tuebingen
Classification: Uncertain significance. Last evaluated: 2025-06-01. Review status: criteria provided, single submitter. Criteria: CeGaT Center For Human Genetics Tuebingen Variant Classification Criteria Version 2. Collection method: clinical testing. Allele origin: germline. Affected: yes. Observed: 1 variant allele.
Comment: MBD5: PM2:Supporting

NM_001378120.1(MBD5):c.259G>A (p.Ala87Thr)

Gene: MBD5 (methyl-CpG binding domain protein 5; plus strand). Cytogenetic location: 2q23.1.
Variant type: single nucleotide variant.
Coding change: c.259G>A on transcript NM_001378120.1 (MANE Select); coding-DNA position 259, G replaced by A.
Protein change: p.Ala87Thr; replaces alanine 87 with threonine.
Molecular consequence: missense variant.
Genome position (GRCh38, 1-based): chr2:148,463,781, G>A. VCF-style: chr2-148463781-G-A. GRCh37 (hg19) VCF-style: chr2-149221350-G-A.
Other names: c.259G>A, p.Ala87Thr (NM_018328.5); short protein forms A87T.
Identifiers: ClinVar variation 1429501 (VCV001429501.16), dbSNP rs755990856, ClinGen allele CA1899846.